The following is an entry in ClinVar:

NM_024747.6(HPS6):c.1149_1150del (p.Phe384fs)

Gene: HPS6 (HPS6 biogenesis of lysosomal organelles complex 2 subunit 3; plus strand). Cytogenetic location: 10q24.32.
Variant type: Deletion.
Coding change: c.1149_1150del on transcript NM_024747.6 (MANE Select); coding-DNA positions 1149 to 1150, 2 bases deleted (GT; older notation c.1149_1150delGT).
Protein change: p.Phe384fs; shifts the reading frame from phenylalanine 384.
Molecular consequence: frameshift variant.
Genome position (GRCh38, 1-based): chr10:102,066,623-102,066,624, GT deleted; deleting any 2 consecutive bases within chr10:102,066,622-102,066,624 gives the same sequence; the c. name uses the placement nearest the transcript's 3' end. VCF-style (leftmost placement, unchanged base first): chr10-102066621-CTG-C. GRCh37 (hg19) VCF-style: chr10-103826378-CTG-C.
Other names: short protein forms F384fs.
Identifiers: ClinVar variation 2178860 (VCV002178860.5), dbSNP rs1011135926, ClinGen allele CA212200909.
Genomic context (GRCh38, chr10:102,066,621, plus strand): 5'-ATGGAGGATGAGGAAGAGCTGGAGACCCGAGGGAATCTTCGTCTGCTTTCAGCCTTGGGT[CTG>C]TTTTGTGTGGGCTGGGAAGCCCCACAGGGTGTTGAGTTGCCTTCAGCCAAGGATCTGGTG-3'

ClinVar aggregate classification (germline): Pathogenic/Likely pathogenic. Review status: criteria provided, multiple submitters, no conflicts (2 of 4 stars). 2 submissions from 2 submitters: Pathogenic (1); Likely pathogenic (1). Last evaluated 2025-09-30.

Conditions:
HPS6-related disorder. Also called: HPS6-related condition.

Submissions (2):

PreventionGenetics, part of Exact Sciences
Classification: Likely pathogenic for HPS6-related condition. Last evaluated: 2025-09-30. Review status: criteria provided, single submitter. Criteria: ACMG Guidelines, 2015. Collection method: clinical testing. Allele origin: germline.
Comment: The HPS6 c.1149_1150delGT variant is predicted to result in a frameshift and premature protein termination (p.Phe384Leufs*11). To our knowledge, this variant has not been reported in the literature. This variant is reported in 0.0063% of alleles in individuals of African descent in gnomAD. Frameshift variants in HPS6 are expected to be pathogenic. This variant is interpreted as likely pathogenic.

Labcorp Genetics (formerly Invitae), Labcorp
Classification: Pathogenic. Last evaluated: 2023-07-29. Review status: criteria provided, single submitter. Criteria: Invitae Variant Classification Sherloc (09022015). Collection method: clinical testing. Allele origin: germline.
Comment: For these reasons, this variant has been classified as Pathogenic. This variant disrupts a region of the HPS6 protein in which other variant(s) (p.Arg607*) have been determined to be pathogenic (PMID: 29345414, 30387913, 32725903). This suggests that this is a clinically significant region of the protein, and that variants that disrupt it are likely to be disease-causing. ClinVar contains an entry for this variant (Variation ID: 2178860). This variant has not been reported in the literature in individuals affected with HPS6-related conditions. This variant is present in population databases (no rsID available, gnomAD 0.007%). This sequence change creates a premature translational stop signal (p.Phe384Leufs*11) in the HPS6 gene. While this is not anticipated to result in nonsense mediated decay, it is expected to disrupt the last 392 amino acid(s) of the HPS6 protein.

Literature cited by the submitters: PubMed 29345414 (cited by Labcorp Genetics (formerly Invitae), Labcorp); PubMed 30387913 (cited by Labcorp Genetics (formerly Invitae), Labcorp); PubMed 32725903 (cited by Labcorp Genetics (formerly Invitae), Labcorp).